The following is an entry in ClinVar:

NM_002529.4(NTRK1):c.2335_2362del (p.Ala779fs)

Gene: NTRK1 (neurotrophic receptor tyrosine kinase 1; plus strand). Cytogenetic location: 1q23.1.
Variant type: Deletion.
Coding change: c.2335_2362del on transcript NM_002529.4 (MANE Select); coding-DNA positions 2335 to 2362, 28 bases deleted (GCCCGGCTGCAAGCCCTGGCCCAGGCAC).
Protein change: p.Ala779fs; shifts the reading frame from alanine 779.
Molecular consequence: frameshift variant.
Genome position (GRCh38, 1-based): chr1:156,881,586-156,881,613, GCCCGGCTGCAAGCCCTGGCCCAGGCAC deleted; deleting any 28 consecutive bases within chr1:156,881,582-156,881,613 gives the same sequence; the c. name uses the placement nearest the transcript's 3' end. VCF-style (leftmost placement, unchanged base first): chr1-156881581-TGCACGCCCGGCTGCAAGCCCTGGCCCAG-T. GRCh37 (hg19) VCF-style: chr1-156851373-TGCACGCCCGGCTGCAAGCCCTGGCCCAG-T.
Other names: c.2227_2254del, p.Ala743fs (NM_001007792.1); c.2317_2344del, p.Ala773fs (NM_001012331.2); c.2317_2344delGCCCGGCTGCAAGCCCTGGCCCAGGCAC (NM_001012331.1); short protein forms A743fs, A773fs, A779fs.
Identifiers: ClinVar variation 580005 (VCV000580005.8), dbSNP rs1558109727, ClinGen allele CA891843047.
Genomic context (GRCh38, chr1:156,881,581, plus strand): 5'-ACGCCATCATGCGGGGCTGCTGGCAGCGGGAGCCCCAGCAACGCCACAGCATCAAGGATG[TGCACGCCCGGCTGCAAGCCCTGGCCCAG>T]GCACCTCCTGTCTACCTGGATGTCCTGGGCTAGGGGGCCGGCCCAGGGGCTGGGAGTGGT-3'

ClinVar aggregate classification (germline): Uncertain significance (1 of 4 stars; one submission).

Conditions:
Hereditary insensitivity to pain with anhidrosis (CIPA). Also called: INSENSITIVITY TO PAIN, CONGENITAL, WITH ANHIDROSIS; NEUROPATHY, CONGENITAL SENSORY, WITH ANHIDROSIS; HSAN Type IV; NTRK1 Congenital Insensitivity to Pain with Anhidrosis; hereditary sensory and autonomic neuropathy type 4; FAMILIAL DYSAUTONOMIA, TYPE II. Identifiers: Orphanet 642, MedGen C0020074, MONDO:0009746, OMIM 256800.

Submission:

Labcorp Genetics (formerly Invitae), Labcorp
Classification: Uncertain significance for Hereditary insensitivity to pain with anhidrosis. Last evaluated: 2018-02-16. Review status: criteria provided, single submitter. Criteria: Invitae Variant Classification Sherloc (09022015). Collection method: clinical testing. Allele origin: germline.
Comment: In summary, the available evidence is currently insufficient to determine the role of this variant in disease. Therefore, it has been classified as a Variant of Uncertain Significance. This variant has not been reported in the literature in individuals with NTRK1-related disease. This variant is not present in population databases (ExAC no frequency). This sequence change deletes 28 nucleotide from exon 19 of the NTRK1 mRNA (c.2318_2344del), causing a frameshift at codon 773. This creates a frameshift in the last exon of the NTRK1 mRNA (p.Ala773Leufs*32). While this is not anticipated to result in nonsense mediated decay, it is expected to disrupt the last 18 amino acids of the NTRK1 protein, and to extend the protein by an additional 13 amino acids.